The following is an entry in ClinVar:

ClinVar aggregate classification (germline): Pathogenic (1 of 4 stars; one submission).

Conditions:
Primary ciliary dyskinesia. Also called: Ciliary dyskinesia. Identifiers: Orphanet 244, MedGen C0008780, MONDO:0016575, HP:0012265.

Submission:

Labcorp Genetics (formerly Invitae), Labcorp
Classification: Pathogenic for Primary ciliary dyskinesia. Last evaluated: 2022-08-07. Review status: criteria provided, single submitter. Criteria: Invitae Variant Classification Sherloc (09022015). Collection method: clinical testing. Allele origin: germline.
Comment: For these reasons, this variant has been classified as Pathogenic. Algorithms developed to predict the effect of sequence changes on RNA splicing suggest that this variant may disrupt the consensus splice site. This variant has not been reported in the literature in individuals affected with RPGR-related conditions. This variant is not present in population databases (gnomAD no frequency). This sequence change creates a premature translational stop signal (p.Ala439Leufs*37) in the RPGR gene. It is expected to result in an absent or disrupted protein product. Loss-of-function variants in RPGR are known to be pathogenic (PMID: 16055928, 16969763).

Literature cited by the submitters: PubMed 16055928; PubMed 16969763.

NM_001034853.2(RPGR):c.1315del (p.Ala439fs)

Gene: RPGR (retinitis pigmentosa GTPase regulator; minus strand). Cytogenetic location: Xp11.4.
Variant type: Deletion.
Coding change: c.1315del on transcript NM_001034853.2 (MANE Select); coding-DNA position 1315, one base deleted (G; older notation c.1315delG).
Protein change: p.Ala439fs; shifts the reading frame from alanine 439.
Molecular consequence: frameshift variant. On other transcripts: non-coding transcript variant (6).
Genome position (GRCh38, 1-based): chrX:38,297,383, C deleted on the plus strand (G on the coding strand, the reverse complement: RPGR is on the minus strand). VCF-style (leftmost placement, unchanged base first): chrX-38297382-GC-G. GRCh37 (hg19) VCF-style: chrX-38156635-GC-G.
Other names: c.1315del, p.Ala439fs (NM_000328.3, NM_001367247.1); c.1312del, p.Ala438fs (NM_001367245.1, NM_001367249.1, NM_001367250.1); c.1129del, p.Ala377fs (NM_001367246.1, NM_001367251.1); c.1345del, p.Ala449fs (NM_001367248.1); short protein forms A377fs, A438fs, A439fs, A449fs.
Identifiers: ClinVar variation 2022558 (VCV002022558.4), dbSNP rs2519822897, ClinGen allele CA2580100848.
Genomic context (GRCh38, chrX:38,297,382, plus strand): 5'-ACACTCTCTTGGAGGTTTCTCTCAGAACATCGTGGAAAGACTGAATTGGGGAGAAAACAA[GC>G]AGAAAGGCCAAGAGTCCCTTCTATTGGAGGTAGTGTTCTCCTCATTGAAAAAGAATCTGG-3'